The following is an entry in ClinVar:

ClinVar aggregate classification (germline): Pathogenic (1 of 4 stars; one submission).

Conditions:
Intellectual developmental disorder, autosomal dominant 43. Also called: Intellectual disability, autosomal dominant 43. Identifiers: MedGen C4707429, MONDO:0014858, OMIM 616977.

Submission:

GeneDx
Classification: Pathogenic. Last evaluated: 2018-07-13. Review status: criteria provided, single submitter. Criteria: GeneDx Variant Classification (06012015). Collection method: clinical testing. Allele origin: germline. Affected: yes.
Comment: The Q1248X variant in the HIVEP2 gene has not been reported previously as a pathogenic variant nor as a benign variant, to our knowledge. This variant is predicted to cause loss of normal protein function either through protein truncation or nonsense-mediated mRNA decay. The Q1248X variant is not observed in large population cohorts (Lek et al., 2016). We interpret Q1248X as a pathogenic variant.

NM_006734.4(HIVEP2):c.3742C>T (p.Gln1248Ter)

Gene: HIVEP2 (HIVEP zinc finger 2; minus strand). Cytogenetic location: 6q24.2.
Variant type: single nucleotide variant.
Coding change: c.3742C>T on transcript NM_006734.4 (MANE Select); coding-DNA position 3742, C replaced by T.
Protein change: p.Gln1248Ter; replaces glutamine 1248 with a stop codon.
Molecular consequence: nonsense.
Genome position (GRCh38, 1-based): chr6:142,770,997, G>A on the plus strand (C>T on the coding strand, the complement: HIVEP2 is on the minus strand). VCF-style: chr6-142770997-G-A. GRCh37 (hg19) VCF-style: chr6-143092134-G-A.
Other names: short protein forms Q1248*.
Identifiers: ClinVar variation 620259 (VCV000620259.3), dbSNP rs1562505335, ClinGen allele CA365902963.